The following is an entry in ClinVar:

ClinVar aggregate classification (germline): Pathogenic (1 of 4 stars; one submission).

Conditions:
3-methylglutaconic aciduria type 1 (MGCA1). Identifiers: Orphanet 67046, MedGen C0342727, MONDO:0009610, OMIM 250950.

Allele frequency attached by ClinVar (database versions not stated): gnomAD exomes below 0.00001.

Submission:

Labcorp Genetics (formerly Invitae), Labcorp
Classification: Pathogenic for 3-methylglutaconic aciduria type 1. Last evaluated: 2023-11-07. Review status: criteria provided, single submitter. Criteria: Invitae Variant Classification Sherloc (09022015). Collection method: clinical testing. Allele origin: germline.
Comment: This sequence change creates a premature translational stop signal (p.Val173Serfs*17) in the AUH gene. It is expected to result in an absent or disrupted protein product. Loss-of-function variants in AUH are known to be pathogenic (PMID: 12655555, 20882351). This variant is not present in population databases (gnomAD no frequency). This variant has not been reported in the literature in individuals affected with AUH-related conditions. For these reasons, this variant has been classified as Pathogenic.

Literature cited by the submitters: PubMed 12655555; PubMed 20882351.

NM_001698.3(AUH):c.516dup (p.Val173fs)

Gene: AUH (AU RNA binding methylglutaconyl-CoA hydratase; minus strand). Cytogenetic location: 9q22.31.
Variant type: Duplication.
Coding change: c.516dup on transcript NM_001698.3 (MANE Select); coding-DNA position 516, one base duplicated (A; older notation c.516dupA).
Protein change: p.Val173fs; shifts the reading frame from valine 173.
Molecular consequence: frameshift variant.
Genome position (GRCh38, 1-based): chr9:91,298,066, T duplicated on the plus strand (A on the coding strand, the reverse complement: AUH is on the minus strand). VCF-style (leftmost placement, unchanged base first): chr9-91298065-C-CT. GRCh37 (hg19) VCF-style: chr9-94060347-C-CT.
Other names: c.429dup, p.Val144fs (NM_001306190.2); c.189dup, p.Val64fs (NM_001351431.2, NM_001351432.2, NM_001351433.2); short protein forms V173fs, V144fs, V64fs.
Identifiers: ClinVar variation 2802918 (VCV002802918.3), dbSNP rs2538311353, ClinGen allele CA2690631043.
Genomic context (GRCh38, chr9:91,298,065, plus strand): 5'-CTAAAGCCAGTTCAAGACCACCACCTAAAGCGAGTCCATCTATTGCTGCAATTGTTGGTA[C>CT]TGGAAGATTAGCTGAAATGGAAAGAAAATTTTATGCTTCCTTAATAAGATTATTATCTCA-3'